The following is an entry in ClinVar:

ClinVar aggregate classification (germline): Pathogenic (1 of 4 stars; one submission).

Conditions:
Combined immunodeficiency due to STK4 deficiency (IMD110). Also called: STK4 DEFICIENCY; T-cell immunodeficiency, recurrent infections, and autoimmunity with or without cardiac malformations; MST1 DEFICIENCY. Identifiers: Orphanet 314689, MedGen C3553943, MONDO:0013934, OMIM 614868.

Submission:

Labcorp Genetics (formerly Invitae), Labcorp
Classification: Pathogenic for Combined immunodeficiency due to STK4 deficiency. Last evaluated: 2024-12-23. Review status: criteria provided, single submitter. Criteria: Invitae Variant Classification Sherloc (09022015). Collection method: clinical testing. Allele origin: germline.
Comment: This sequence change creates a premature translational stop signal (p.Asp31Glufs*20) in the STK4 gene. It is expected to result in an absent or disrupted protein product. Loss-of-function variants in STK4 are known to be pathogenic (PMID: 22174160). This variant is not present in population databases (gnomAD no frequency). This variant has not been reported in the literature in individuals affected with STK4-related conditions. For these reasons, this variant has been classified as Pathogenic.

Literature cited by the submitters: PubMed 22174160.

NM_006282.5(STK4):c.92dup (p.Asp31fs)

Gene: STK4 (serine/threonine kinase 4; plus strand). Cytogenetic location: 20q13.12.
Variant type: Duplication.
Coding change: c.92dup on transcript NM_006282.5 (MANE Select); coding-DNA position 92, one base duplicated (A; older notation c.92dupA).
Protein change: p.Asp31fs; shifts the reading frame from aspartic acid 31.
Molecular consequence: frameshift variant. On other transcripts: non-coding transcript variant (2).
Genome position (GRCh38, 1-based): chr20:44,972,134, A duplicated. VCF-style (leftmost placement, unchanged base first): chr20-44972133-G-GA. GRCh37 (hg19) VCF-style: chr20-43600774-G-GA.
Other names: c.92dup, p.Asp31fs (NM_001352385.2); short protein forms D31fs.
Identifiers: ClinVar variation 3727861 (VCV003727861.2).